The following is an entry in ClinVar:

ClinVar aggregate classification (germline): Conflicting classifications of pathogenicity. Review status: criteria provided, conflicting classifications (1 of 4 stars). 6 submissions from 6 submitters: Pathogenic (1); Likely pathogenic (2); Uncertain significance (1). 2 of the submissions do not count toward it. Last evaluated 2025-09-29.

Conditions:
GNE myopathy (NM). Also called: MYOPATHY, DISTAL, WITH OR WITHOUT RIMMED VACUOLES; NONAKA DISTAL MYOPATHY; INCLUSION BODY MYOPATHY, HEREDITARY, AUTOSOMAL RECESSIVE; INCLUSION BODY MYOPATHY 2, AUTOSOMAL RECESSIVE; IBM 2; Inclusion body myopathy autosomal recessive. Identifiers: Orphanet 602, MedGen C1853926, MONDO:0011603, OMIM 605820.
Sialuria. Also called: SIALURIA, FRENCH TYPE; Sialic Acid Storage Disease. Identifiers: Orphanet 3166, MedGen C0342853, MONDO:0010028, OMIM 269921.

Allele frequency attached by ClinVar (database versions not stated): gnomAD 0.00002 and 0.00003; TOPMed 0.00002.
gnomAD v4.1: 7 of 1,610,818 alleles (0.00043%); highest among the groups gnomAD compares: African/African-American, 0.0094%; no homozygotes.

Submissions (6):

Natera, Inc.
Classification: Likely pathogenic for Nonaka myopathy. Last evaluated: 2025-09-29. Review status: criteria provided, single submitter. Criteria: Natera Variant Classification Schema (03/2026). Collection method: clinical testing. Allele origin: germline.
Comment: The c.766G>A variant in GNE is a missense variant predicted to cause substitution of aspartic acid to asparagine at amino acid 256. This variant is rare in the general population with a frequency below the threshold expected for the associated phenotype(s). This variant has been observed in one or more individuals affected with the associated recessive disease, as either homozygous or compound heterozygous with a second variant (PMID: 11528398). Additionally, this variant has been observed to segregate in affected family members (PMID: 11528398). Given the available evidence, this variant is classified as Likely Pathogenic.

Labcorp Genetics (formerly Invitae), Labcorp
Classification: Pathogenic for Sialuria; GNE myopathy. Last evaluated: 2023-11-27. Review status: criteria provided, single submitter. Criteria: Invitae Variant Classification Sherloc (09022015). Collection method: clinical testing. Allele origin: germline.
Comment: This sequence change replaces aspartic acid, which is acidic and polar, with asparagine, which is neutral and polar, at codon 256 of the GNE protein (p.Asp256Asn). This variant is present in population databases (rs121908630, gnomAD 0.02%). This missense change has been observed in individual(s) with GNE-related myopathy (PMID: 11528398). In at least one individual the data is consistent with being in trans (on the opposite chromosome) from a pathogenic variant. It has also been observed to segregate with disease in related individuals. This variant is also known as D225N. ClinVar contains an entry for this variant (Variation ID: 6031). Advanced modeling of protein sequence and biophysical properties (such as structural, functional, and spatial information, amino acid conservation, physicochemical variation, residue mobility, and thermodynamic stability) has been performed at Invitae for this missense variant, however the output from this modeling did not meet the statistical confidence thresholds required to predict the impact of this variant on GNE protein function. For these reasons, this variant has been classified as Pathogenic.

Women's Health and Genetics/Laboratory Corporation of America, LabCorp
Classification: Likely pathogenic for GNE myopathy. Last evaluated: 2022-04-05. Review status: criteria provided, single submitter. Criteria: LabCorp Variant Classification Summary - May 2015. Collection method: clinical testing. Allele origin: germline.
Comment: Variant summary: GNE c.766G>A (p.Asp256Asn) results in a conservative amino acid change located in the UDP-N-acetylglucosamine 2-epimerase domain of the encoded protein sequence. Three of five in-silico tools predict a benign effect of the variant on protein function. The variant was absent in 251392 control chromosomes. c.766G>A has been reported in the literature in four individuals affected with Inclusion Body Myopathy 2 from a single family, in the compound heterozygous state (Eisenberg_2001). These data indicate that the variant is likely to be associated with disease. To our knowledge, no experimental evidence demonstrating an impact on protein function has been reported. Three clinical diagnostic laboratories have submitted clinical-significance assessments for this variant to ClinVar after 2014 without evidence for independent evaluation. Two submitters classified the variant as VUS while one classified as pathogenic. Based on the evidence outlined above, the variant was classified as likely pathogenic.

Eurofins Ntd Llc (ga)
Classification: Uncertain significance. Last evaluated: 2018-08-28. Review status: criteria provided, single submitter. Criteria: EGL ClinVar v180209 classification definitions. Collection method: clinical testing. Allele origin: germline. Observed: 2 variant alleles, 2 heterozygotes.

Counsyl
Classification: Uncertain significance for GNE myopathy. Last evaluated: 2017-05-24. Review status: no assertion criteria provided. Collection method: clinical testing. Allele origin: unknown. Not counted in ClinVar's aggregate classification.

OMIM
Classification: Pathogenic for NONAKA MYOPATHY. Last evaluated: 2001-09-01. Review status: no assertion criteria provided. Collection method: literature only. Allele origin: germline. Not counted in ClinVar's aggregate classification.

Literature cited by the submitters: PubMed 11528398 (cited by 6 submitters); PubMed 12497639 (cited by Women's Health and Genetics/Laboratory Corporation of America, LabCorp); PubMed 19917666 (cited by Eurofins Ntd Llc (ga) and Counsyl); PubMed 24796702 (cited by Counsyl); PubMed 26980148 (cited by Counsyl).

NM_005476.7(GNE):c.673G>A (p.Asp225Asn)

Gene: GNE (glucosamine (UDP-N-acetyl)-2-epimerase/N-acetylmannosamine kinase; minus strand). Cytogenetic location: 9p13.3.
Variant type: single nucleotide variant.
Coding change: c.673G>A on transcript NM_005476.7 (MANE Select); coding-DNA position 673, G replaced by A.
Protein change: p.Asp225Asn; replaces aspartic acid 225 with asparagine.
Molecular consequence: missense variant. On other transcripts: intron variant (2).
Genome position (GRCh38, 1-based): chr9:36,236,928, C>T on the plus strand (G>A on the coding strand, the complement: GNE is on the minus strand). VCF-style: chr9-36236928-C-T. GRCh37 (hg19) VCF-style: chr9-36236925-C-T.
Other names: c.766G>A, p.Asp256Asn (NM_001128227.3); c.673G>A, p.Asp225Asn (NM_001190383.3); c.496G>A, p.Asp166Asn (NM_001190388.2, NM_001374798.1); c.440-2796G>A (NM_001190384.3); c.617-2796G>A (NM_001374797.1); short protein forms D225N, D256N, D166N.
Identifiers: ClinVar variation 6031 (VCV000006031.14), dbSNP rs121908630, ClinGen allele CA253703.